The following is an entry in ClinVar:

NM_000038.6(APC):c.834+3349A>C

Gene: APC (APC regulator of WNT signaling pathway; plus strand). Cytogenetic location: 5q22.2.
Variant type: single nucleotide variant.
Coding change: c.834+3349A>C on transcript NM_000038.6 (MANE Select); 3349 bases into the intron after coding-DNA position 834, A replaced by C.
Molecular consequence: intron variant.
Genome position (GRCh38, 1-based): chr5:112,804,732, A>C. VCF-style: chr5-112804732-A-C. GRCh37 (hg19) VCF-style: chr5-112140429-A-C.
Other names: c.834+3349A>C (NM_001354895.2, NM_001127510.3, NM_001354896.2 and 1 more transcripts); c.864+3349A>C (NM_001354897.2, NM_001354902.2); c.780+3349A>C (NM_001127511.3); c.759+3349A>C (NM_001354898.2, NM_001354904.2); c.-202+3349A>C (NM_001354906.2); c.750+3349A>C (NM_001354899.2); c.657+3349A>C (NM_001354900.2, NM_001354901.2, NM_001354905.2).
Identifiers: ClinVar variation 82521 (VCV000082521.2), dbSNP rs76484255, ClinGen allele CA014708.

ClinVar aggregate classification (germline): other (0 of 4 stars; one submission).

Conditions:
Familial colorectal cancer. Identifiers: MedGen CN280943, MONDO:0023113. Disease mechanism: loss of function.

Submission:

Systems Biology Platform Zhejiang California International NanoSystems Institute
Classification: other for Familial colorectal cancer. Review status: no assertion criteria provided. Collection method: not provided. Allele origin: unknown.
ClinVar note: Converted during submission from cancer to other.